The following is an entry in ClinVar:

NM_001369.3(DNAH5):c.193-2A>G

Gene: DNAH5 (dynein axonemal heavy chain 5; minus strand). Cytogenetic location: 5p15.2.
Variant type: single nucleotide variant.
Coding change: c.193-2A>G on transcript NM_001369.3 (MANE Select); the canonical splice acceptor site of the intron before coding-DNA position 193, A replaced by G.
Molecular consequence: splice acceptor variant.
Genome position (GRCh38, 1-based): chr5:13,928,180, T>C on the plus strand (A>G on the coding strand, the complement: DNAH5 is on the minus strand). VCF-style: chr5-13928180-T-C. GRCh37 (hg19) VCF-style: chr5-13928289-T-C.
Identifiers: ClinVar variation 582484 (VCV000582484.12), dbSNP rs769267893, ClinGen allele CA3205251.

ClinVar aggregate classification (germline): Likely pathogenic. Review status: criteria provided, single submitter (1 of 4 stars). 2 submissions from 2 submitters: Likely pathogenic (1). 1 of the submissions does not count toward it. Last evaluated 2022-05-04.

Conditions:
Primary ciliary dyskinesia. Also called: Ciliary dyskinesia. Identifiers: Orphanet 244, MedGen C0008780, MONDO:0016575, HP:0012265.

Allele frequency attached by ClinVar (database versions not stated): gnomAD exomes below 0.00001; ExAC 0.00001.
gnomAD v4.1: 2 of 1,610,514 alleles (0.00012%); highest among the groups gnomAD compares: Non-Finnish European, 0.00017%; no homozygotes.

Submissions (2):

Labcorp Genetics (formerly Invitae), Labcorp
Classification: Likely pathogenic for Primary ciliary dyskinesia. Last evaluated: 2022-05-04. Review status: criteria provided, single submitter. Criteria: Invitae Variant Classification Sherloc (09022015). Collection method: clinical testing. Allele origin: germline.
Comment: ClinVar contains an entry for this variant (Variation ID: 582484). In summary, the currently available evidence indicates that the variant is pathogenic, but additional data are needed to prove that conclusively. Therefore, this variant has been classified as Likely Pathogenic. Algorithms developed to predict the effect of sequence changes on RNA splicing suggest that this variant may disrupt the consensus splice site. This variant has not been reported in the literature in individuals affected with DNAH5-related conditions. This variant is present in population databases (rs769267893, gnomAD 0.0009%). This sequence change affects an acceptor splice site in intron 2 of the DNAH5 gene. It is expected to disrupt RNA splicing. Variants that disrupt the donor or acceptor splice site typically lead to a loss of protein function (PMID: 16199547), and loss-of-function variants in DNAH5 are known to be pathogenic (PMID: 11788826, 16627867).

Natera, Inc.
Classification: Likely pathogenic for Primary ciliary dyskinesia. Last evaluated: 2021-05-04. Review status: no assertion criteria provided. Collection method: clinical testing. Allele origin: germline. Not counted in ClinVar's aggregate classification.

Literature cited by the submitters: PubMed 16199547 (cited by Labcorp Genetics (formerly Invitae), Labcorp); PubMed 11788826 (cited by Labcorp Genetics (formerly Invitae), Labcorp); PubMed 16627867 (cited by Labcorp Genetics (formerly Invitae), Labcorp).